The following is an entry in ClinVar:

ClinVar aggregate classification (germline): Uncertain significance. Review status: criteria provided, multiple submitters, no conflicts (2 of 4 stars). 2 submissions from 2 submitters: Uncertain significance (2). Last evaluated 2024-02-15.

Submissions (2):

Blueprint Genetics
Classification: Uncertain significance. Last evaluated: 2024-02-15. Review status: criteria provided, single submitter. Criteria: ACMG Guidelines, 2015. Collection method: clinical testing. Allele origin: germline.

CeGaT Center for Human Genetics Tuebingen
Classification: Uncertain significance. Last evaluated: 2024-01-01. Review status: criteria provided, single submitter. Criteria: CeGaT Center For Human Genetics Tuebingen Variant Classification Criteria Version 2. Collection method: clinical testing. Allele origin: germline. Affected: yes. Observed: 1 variant allele.
Comment: SAMHD1: PM2:Supporting, BP4

NM_015474.4(SAMHD1):c.317G>A (p.Arg106Gln)

Gene: SAMHD1 (SAM and HD domain containing deoxynucleoside triphosphate triphosphohydrolase 1; minus strand). Cytogenetic location: 20q11.23.
Variant type: single nucleotide variant.
Coding change: c.317G>A on transcript NM_015474.4 (MANE Select); coding-DNA position 317, G replaced by A.
Protein change: p.Arg106Gln; replaces arginine 106 with glutamine.
Molecular consequence: missense variant.
Genome position (GRCh38, 1-based): chr20:36,941,070, C>T on the plus strand (G>A on the coding strand, the complement: SAMHD1 is on the minus strand). VCF-style: chr20-36941070-C-T. GRCh37 (hg19) VCF-style: chr20-35569473-C-T.
Other names: c.317G>A, p.Arg106Gln (NM_001363729.2, NM_001363733.2); short protein forms R106Q.
Identifiers: ClinVar variation 3026136 (VCV003026136.23), dbSNP rs753821325, ClinGen allele CA9844767.
Genomic context (GRCh38, chr20:36,941,070, plus strand): 5'-AAAAACATAACAAACTCAGATCCTCTTACCTTCATTGTATCAACGTGGATTTGAACCAAT[C>T]GCTGGATATAACTAAGCAGCTTCTTCCTCTCCCCCAAGGAACTAAAATTACAATAGGATA-3'
Protein context (NP_056289.2, residues 96-116): ERKKLLSYIQ[Arg106Gln]LVQIHVDTMK